The following is an entry in ClinVar:

ClinVar aggregate classification (germline): Conflicting classifications of pathogenicity. Review status: criteria provided, conflicting classifications (1 of 4 stars). 3 submissions from 3 submitters: Uncertain significance (2); Benign (1). Last evaluated 2025-10-13.

Conditions:
Hereditary pulmonary alveolar proteinosis. Also called: Pulmonary surfactant metabolism dysfunction. Identifiers: Orphanet 264675, MedGen C3711368, MONDO:0012580.
Interstitial lung disease 2 (ILD2). Also called: Familial idiopathic pulmonary fibrosis; FIBROCYSTIC PULMONARY DYSPLASIA; FIBROSING ALVEOLITIS, CRYPTOGENIC. Identifiers: Orphanet 2032, Orphanet 79126, MedGen C5561926, MONDO:0800497, OMIM 178500, MONDO:0800029.
Interstitial lung disease due to ABCA3 deficiency. Also called: PULMONARY ALVEOLAR PROTEINOSIS, CONGENITAL, 3. Identifiers: Orphanet 440402, MedGen C1970456, MONDO:0012582, OMIM 610921.

Allele frequency attached by ClinVar (database versions not stated): ESP Exome Variant Server 0.00008; gnomAD 0.00016 and 0.00019; TOPMed 0.00018; ExAC 0.00021; 1000 Genomes Project 30x 0.00062; 1000 Genomes Project 0.00080.

Submissions (3):

Ambry Genetics
Classification: Benign for Hereditary pulmonary alveolar proteinosis. Last evaluated: 2025-10-13. Review status: criteria provided, single submitter. Criteria: Ambry Variant Classification Scheme 2023. Collection method: clinical testing. Allele origin: germline.

Alder lab, University of Pittsburgh
Classification: Uncertain significance for Interstitial lung disease 2. Last evaluated: 2022-08-01. Review status: criteria provided, single submitter. Criteria: ACMG Guidelines, 2015. Collection method: research. Allele origin: germline. Affected: yes.

Johns Hopkins Genomics, Johns Hopkins University
Classification: Uncertain significance for Interstitial lung disease due to ABCA3 deficiency. Last evaluated: 2019-04-15. Review status: criteria provided, single submitter. Criteria: ACMG Guidelines, 2015. Collection method: clinical testing. Allele origin: germline.
Comment: This ABCA3 variant (rs145269995) has been identified in large population datasets and the minor allele frequency is neither low enough to consider the variant rare (<0.1%) nor high enough to consider it a population polymorphism (>1%) within the East Asian subpopulation (gnomAD: 38/19946 alleles; 0.19%, no homozygotes). ABCA3 c.1913G>A has not been reported in ClinVar to our knowledge. Two bioinformatic tools queried predict that this substitution would be tolerated, and the arginine residue at this position is not evolutionarily conserved across the species assessed. The clinical significance of c.1913G>A is uncertain at this time.

Literature cited by the submitters: PubMed 28642621 (cited by Johns Hopkins Genomics, Johns Hopkins University).

NM_001089.3(ABCA3):c.1913G>A (p.Arg638His)

Gene: ABCA3 (ATP binding cassette subfamily A member 3; minus strand). Cytogenetic location: 16p13.3.
Variant type: single nucleotide variant.
Coding change: c.1913G>A on transcript NM_001089.3 (MANE Select); coding-DNA position 1913, G replaced by A.
Protein change: p.Arg638His; replaces arginine 638 with histidine.
Molecular consequence: missense variant.
Genome position (GRCh38, 1-based): chr16:2,297,905, C>T on the plus strand (G>A on the coding strand, the complement: ABCA3 is on the minus strand). VCF-style: chr16-2297905-C-T. GRCh37 (hg19) VCF-style: chr16-2347906-C-T.
Other names: c.1913G>A (NM_001089.2); short protein forms R638H.
Identifiers: ClinVar variation 689445 (VCV000689445.3), dbSNP rs145269995, ClinGen allele CA7841027.